The following is an entry in ClinVar:

NM_001369268.1(ACAN):c.2101_2116del (p.Ile701fs)

Gene: ACAN (aggrecan; plus strand). Cytogenetic location: 15q26.1.
Variant type: Deletion.
Coding change: c.2101_2116del on transcript NM_001369268.1 (MANE Select); coding-DNA positions 2101 to 2116, 16 bases deleted (ATCGTGACCCAAGTGG).
Protein change: p.Ile701fs; shifts the reading frame from isoleucine 701.
Molecular consequence: frameshift variant.
Genome position (GRCh38, 1-based): chr15:88,851,868-88,851,883, ATCGTGACCCAAGTGG deleted; deleting any 16 consecutive bases within chr15:88,851,863-88,851,883 gives the same sequence; the c. name uses the placement nearest the transcript's 3' end. VCF-style (leftmost placement, unchanged base first): chr15-88851862-GAGTGGATCGTGACCCA-G. GRCh37 (hg19) VCF-style: chr15-89395093-GAGTGGATCGTGACCCA-G.
Other names: c.2101_2116del, p.Ile701fs (NM_001135.4, NM_001411096.1, NM_001411097.1 and 1 more transcripts); short protein forms I701fs.
Identifiers: ClinVar variation 4855615 (VCV004855615.1).

ClinVar aggregate classification (germline): Likely pathogenic (1 of 4 stars; one submission).

Conditions:
Short stature and advanced bone age, with or without early-onset osteoarthritis and/or osteochondritis dissecans (SSOAOD). Identifiers: Orphanet 251262, MedGen C3665488, MONDO:0100462, OMIM 165800.

Submission:

3billion
Classification: Likely pathogenic for Short stature and advanced bone age, with or without early-onset osteoarthritis and/or osteochondritis dissecans. Last evaluated: 2025-05-20. Review status: criteria provided, single submitter. Criteria: ACMG Guidelines, 2015. Collection method: clinical testing. Allele origin: germline. Affected: yes.
Comment: The variant is not observed in the gnomAD v4.1.0 dataset. Predicted Consequence/Location: Frameshift: predicted to result in a loss or disruption of normal protein function through nonsense-mediated decay (NMD) or protein truncation. Multiple pathogenic variants are reported downstream of the variant. Therefore, this variant is classified as Likely pathogenic according to the recommendation of ACMG/AMP guideline.